The following is an entry in ClinVar:

ClinVar aggregate classification (germline): Conflicting classifications of pathogenicity. Review status: criteria provided, conflicting classifications (1 of 4 stars). 3 submissions from 3 submitters: Uncertain significance (2); Likely benign (1). Last evaluated 2025-12-09.

Conditions:
Hereditary cancer-predisposing syndrome. Also called: Hereditary neoplastic syndrome; Neoplastic Syndromes, Hereditary; Tumor predisposition; Hereditary Cancer Syndrome. Identifiers: Orphanet 140162, MedGen C0027672, MeSH D009386, MONDO:0015356.
Hereditary breast ovarian cancer syndrome. Also called: Hereditary breast and ovarian cancer syndrome (HBOC); BRCA1- and BRCA2-Associated Hereditary Breast and Ovarian Cancer; Hereditary breast and ovarian cancer syndrome; Breast and ovarian cancer; Hereditary breast and ovarian cancer; Hereditary breast and/or ovarian cancer syndrome. Identifiers: Orphanet 145, MedGen C0677776, MeSH D061325, MONDO:0003582. Disease mechanism: loss of function.

Allele frequency attached by ClinVar (database versions not stated): gnomAD exomes below 0.00001.
gnomAD v4.1: 1 of 1,613,966 alleles (0.000062%); highest among the groups gnomAD compares: Non-Finnish European, 0.000085%; no homozygotes.

Submissions (3):

Ambry Genetics
Classification: Uncertain significance for Hereditary cancer-predisposing syndrome. Last evaluated: 2025-12-09. Review status: criteria provided, single submitter. Criteria: Ambry Variant Classification Scheme 2023. Collection method: clinical testing. Allele origin: germline.
Comment: The p.C1958R variant (also known as c.5872T>C), located in coding exon 10 of the BRCA2 gene, results from a T to C substitution at nucleotide position 5872. The cysteine at codon 1958 is replaced by arginine, an amino acid with highly dissimilar properties. This amino acid position is conserved. In addition, this alteration is predicted to be tolerated by in silico analysis. Based on the available evidence, the clinical significance of this variant remains unclear.

University of Washington Department of Laboratory Medicine, University of Washington
Classification: Likely benign for Hereditary cancer-predisposing syndrome. Last evaluated: 2023-03-23. Review status: criteria provided, single submitter. Criteria: Dines et al. (Genet Med. 2020). Collection method: curation. Allele origin: germline.
Comment: Missense variant in a coldspot region where missense variants are very unlikely to be pathogenic (PMID:31911673).

BRCA2 exon 11 coldspot. Reclassification based on statistical prior probability.

Labcorp Genetics (formerly Invitae), Labcorp
Classification: Uncertain significance for Hereditary breast ovarian cancer syndrome. Last evaluated: 2017-09-24. Review status: criteria provided, single submitter. Criteria: Invitae Variant Classification Sherloc (09022015). Collection method: clinical testing. Allele origin: germline.
Comment: This variant is not present in population databases (ExAC no frequency). In summary, the available evidence is currently insufficient to determine the role of this variant in disease. Therefore, it has been classified as a Variant of Uncertain Significance. Algorithms developed to predict the effect of missense changes on protein structure and function do not agree on the potential impact of this missense change (SIFT: "Tolerated"; PolyPhen-2: "Possibly Damaging"; Align-GVGD: "Class C0"). This variant has not been reported in the literature in individuals with BRCA2-related disease. This sequence change replaces cysteine with arginine at codon 1958 of the BRCA2 protein (p.Cys1958Arg). The cysteine residue is weakly conserved and there is a large physicochemical difference between cysteine and arginine.

NM_000059.4(BRCA2):c.5872T>C (p.Cys1958Arg)

Gene: BRCA2 (BRCA2 DNA repair associated; plus strand). Cytogenetic location: 13q13.1.
Variant type: single nucleotide variant.
Coding change: c.5872T>C on transcript NM_000059.4 (MANE Select); coding-DNA position 5872, T replaced by C.
Protein change: p.Cys1958Arg; replaces cysteine 1958 with arginine.
Molecular consequence: missense variant.
Genome position (GRCh38, 1-based): chr13:32,340,227, T>C. VCF-style: chr13-32340227-T-C. GRCh37 (hg19) VCF-style: chr13-32914364-T-C.
Other names: short protein forms C1958R.
Identifiers: ClinVar variation 531342 (VCV000531342.11), dbSNP rs1555284436, ClinGen allele CA387787438.